The following is an entry in ClinVar:

NM_030773.4(TUBB1):c.866T>C (p.Leu289Pro)

Gene: TUBB1 (tubulin beta 1 class VI; plus strand). Cytogenetic location: 20q13.32.
Variant type: single nucleotide variant.
Coding change: c.866T>C on transcript NM_030773.4 (MANE Select); coding-DNA position 866, T replaced by C.
Protein change: p.Leu289Pro; replaces leucine 289 with proline.
Molecular consequence: missense variant.
Genome position (GRCh38, 1-based): chr20:59,024,293, T>C. VCF-style: chr20-59024293-T-C. GRCh37 (hg19) VCF-style: chr20-57599348-T-C.
Other names: p.Leu289Pro; short protein forms L289P.
Identifiers: ClinVar variation 4542395 (VCV004542395.1).
Genomic context (GRCh38, chr20:59,024,293, plus strand): 5'-GCTTTGCCCCACTCACGGCCCAGGGCAGCCAGCAGTACCGAGCCCTCTCCGTGGCCGAGC[T>C]CACCCAGCAGATGTTCGATGCCCGCAATACCATGGCTGCCTGTGACCTCCGCCGTGGCCG-3'
Protein context (NP_110400.1, residues 279-299): QQYRALSVAE[Leu289Pro]TQQMFDARNT

ClinVar aggregate classification (germline): Uncertain significance (1 of 4 stars; one submission).

Submission:

Mayo Clinic Laboratories, Mayo Clinic
Classification: Uncertain significance. Last evaluated: 2025-11-15. Review status: criteria provided, single submitter. Criteria: ACMG Guidelines, 2015. Collection method: clinical testing. Allele origin: germline. Observed: 1 variant allele.
Comment: PP3_strong, PM2_supporting